The following is an entry in ClinVar:

NM_182961.4(SYNE1):c.4697A>G (p.Gln1566Arg)

Gene: SYNE1 (spectrin repeat containing nuclear envelope protein 1; minus strand). Cytogenetic location: 6q25.2.
Variant type: single nucleotide variant.
Coding change: c.4697A>G on transcript NM_182961.4 (MANE Select); coding-DNA position 4697, A replaced by G.
Protein change: p.Gln1566Arg; replaces glutamine 1566 with arginine.
Molecular consequence: missense variant.
Genome position (GRCh38, 1-based): chr6:152,430,203, T>C on the plus strand (A>G on the coding strand, the complement: SYNE1 is on the minus strand). VCF-style: chr6-152430203-T-C. GRCh37 (hg19) VCF-style: chr6-152751338-T-C.
Other names: p.Gln1573Arg; c.4718A>G, p.Gln1573Arg (NM_033071.5); short protein forms Q1566R, Q1573R.
Identifiers: ClinVar variation 4541242 (VCV004541242.1).

ClinVar aggregate classification (germline): Uncertain significance (1 of 4 stars; one submission).

gnomAD v4.1: 1 of 1,600,408 alleles (0.000062%); highest among the groups gnomAD compares: South Asian, 0.0011%; no homozygotes.

Submission:

Mayo Clinic Laboratories, Mayo Clinic
Classification: Uncertain significance. Last evaluated: 2025-10-17. Review status: criteria provided, single submitter. Criteria: ACMG Guidelines, 2015. Collection method: clinical testing. Allele origin: germline. Observed: 1 variant allele.
Comment: BP4_moderate